The following is an entry in ClinVar:

NM_006231.4(POLE):c.5476C>T (p.Arg1826Trp)

Gene: POLE (DNA polymerase epsilon, catalytic subunit; minus strand). Cytogenetic location: 12q24.33.
Variant type: single nucleotide variant.
Coding change: c.5476C>T on transcript NM_006231.4 (MANE Select); coding-DNA position 5476, C replaced by T.
Protein change: p.Arg1826Trp; replaces arginine 1826 with tryptophan.
Molecular consequence: missense variant.
Genome position (GRCh38, 1-based): chr12:132,639,201, G>A on the plus strand (C>T on the coding strand, the complement: POLE is on the minus strand). VCF-style: chr12-132639201-G-A. GRCh37 (hg19) VCF-style: chr12-133215787-G-A.
Other names: c.5476C>T (NM_006231.2); short protein forms R1826W.
Identifiers: ClinVar variation 583360 (VCV000583360.18), dbSNP rs762000608, ClinGen allele CA6892516.

ClinVar aggregate classification (germline): Uncertain significance. Review status: criteria provided, multiple submitters, no conflicts (2 of 4 stars). 6 submissions from 6 submitters: Uncertain significance (6). Last evaluated 2025-08-18.

Conditions:
Hereditary cancer-predisposing syndrome. Also called: Neoplastic Syndromes, Hereditary; Hereditary Cancer Syndrome; Tumor predisposition; Hereditary neoplastic syndrome. Identifiers: Orphanet 140162, MedGen C0027672, MeSH D009386, MONDO:0015356.
Polymerase proofreading-related adenomatous polyposis. Also called: Polymerase proofreading associated polyposis; Polymerase proofreading–associated polyposis (PPAP). Identifiers: Orphanet 447877, MedGen C5202613, MONDO:0018653.

Allele frequency attached by ClinVar (database versions not stated): ExAC 0.00001; gnomAD exomes 0.00001; TOPMed 0.00001.
gnomAD v4.1: 9 of 1,614,078 alleles (0.00056%); highest among the groups gnomAD compares: South Asian, 0.0055%; no homozygotes.

Submissions (6):

Labcorp Genetics (formerly Invitae), Labcorp
Classification: Uncertain significance. Last evaluated: 2025-08-18. Review status: criteria provided, single submitter. Criteria: Invitae Variant Classification Sherloc (09022015). Collection method: clinical testing. Allele origin: germline.
Comment: This sequence change replaces arginine, which is basic and polar, with tryptophan, which is neutral and slightly polar, at codon 1826 of the POLE protein (p.Arg1826Trp). This variant is present in population databases (rs762000608, gnomAD 0.01%). This variant has not been reported in the literature in individuals affected with POLE-related conditions. ClinVar contains an entry for this variant (Variation ID: 583360). Invitae Evidence Modeling of protein sequence and biophysical properties (such as structural, functional, and spatial information, amino acid conservation, physicochemical variation, residue mobility, and thermodynamic stability) has been performed for this missense variant. However, the output from this modeling did not meet the statistical confidence thresholds required to predict the impact of this variant on POLE protein function. In summary, the available evidence is currently insufficient to determine the role of this variant in disease. Therefore, it has been classified as a Variant of Uncertain Significance.

Ambry Genetics
Classification: Uncertain significance for Hereditary cancer-predisposing syndrome. Last evaluated: 2025-05-16. Review status: criteria provided, single submitter. Criteria: Ambry Variant Classification Scheme 2023. Collection method: clinical testing. Allele origin: germline.
Comment: The p.R1826W variant (also known as c.5476C>T), located in coding exon 40 of the POLE gene, results from a C to T substitution at nucleotide position 5476. The arginine at codon 1826 is replaced by tryptophan, an amino acid with dissimilar properties. This amino acid position is not well conserved in available vertebrate species. In addition, the in silico prediction for this alteration is inconclusive. Based on the available evidence, the clinical significance of this variant remains unclear.

GeneDx
Classification: Uncertain significance. Last evaluated: 2024-04-16. Review status: criteria provided, single submitter. Criteria: GeneDx Variant Classification Process June 2021. Collection method: clinical testing. Allele origin: germline. Affected: yes.
Comment: Not observed at significant frequency in large population cohorts (gnomAD); In silico analysis supports that this missense variant has a deleterious effect on protein structure/function; Published functional studies demonstrate a damaging effect: variant designated functionally abnormal based on an in vitro assay measuring cell survival (PMID: 34749799); This variant is associated with the following publications: (PMID: 34749799)

Department of Pathology and Laboratory Medicine, Sinai Health System
Classification: Uncertain significance for Polymerase proofreading-related adenomatous polyposis. Last evaluated: 2023-09-20. Review status: criteria provided, single submitter. Criteria: ACMG Guidelines, 2015. Collection method: clinical testing. Allele origin: germline. Affected: yes.

Revvity Omics, Revvity
Classification: Uncertain significance. Last evaluated: 2019-08-19. Review status: criteria provided, single submitter. Criteria: ACMG Guidelines, 2015. Collection method: clinical testing. Allele origin: germline.

Quest Diagnostics Nichols Institute San Juan Capistrano
Classification: Uncertain significance. Last evaluated: 2018-05-30. Review status: criteria provided, single submitter. Criteria: Quest Diagnostics criteria. Collection method: clinical testing. Allele origin: germline.

Literature cited by the submitters: PubMed 34749799 (cited by Department of Pathology and Laboratory Medicine, Sinai Health System); PubMed 31480372 (cited by Department of Pathology and Laboratory Medicine, Sinai Health System); PubMed 24525744 (cited by Department of Pathology and Laboratory Medicine, Sinai Health System).